The following is an entry in ClinVar:

ClinVar aggregate classification (germline): Likely benign. Review status: criteria provided, multiple submitters, no conflicts (2 of 4 stars). 4 submissions from 4 submitters: Likely benign (3). 1 of the submissions does not count toward it. Last evaluated 2025-10-09.

Conditions:
MASP1-related disorder. Also called: MASP1-related condition.
3MC syndrome 1. Also called: OCULOPALATOSKELETAL SYNDROME; MICHELS SYNDROME; CRANIOSYNOSTOSIS WITH LID ANOMALIES. Identifiers: Orphanet 293843, MedGen C0796059, MONDO:0009770, OMIM 257920.

Allele frequency attached by ClinVar (database versions not stated): gnomAD exomes 0.00002 and 0.00006; gnomAD 0.00004; ExAC 0.00006; TOPMed 0.00006.
gnomAD v4.1: 33 of 1,614,060 alleles (0.002%); highest among the groups gnomAD compares: Admixed American, 0.04%; no homozygotes.

Submissions (4):

Labcorp Genetics (formerly Invitae), Labcorp
Classification: Likely benign for 3MC syndrome 1. Last evaluated: 2025-10-09. Review status: criteria provided, single submitter. Criteria: Invitae Variant Classification Sherloc (09022015). Collection method: clinical testing. Allele origin: germline.

Blueprint Genetics
Classification: Likely benign. Last evaluated: 2024-10-17. Review status: criteria provided, single submitter. Criteria: ACMG Guidelines, 2015. Collection method: clinical testing. Allele origin: germline.

CeGaT Center for Human Genetics Tuebingen
Classification: Likely benign. Last evaluated: 2023-06-01. Review status: criteria provided, single submitter. Criteria: CeGaT Center For Human Genetics Tuebingen Variant Classification Criteria Version 2. Collection method: clinical testing. Allele origin: germline. Affected: yes. Observed: 1 variant allele.
Comment: MASP1: BP4, BP7

PreventionGenetics, part of Exact Sciences
Classification: Likely benign for MASP1-related condition. Last evaluated: 2021-03-11. Review status: no assertion criteria provided. Collection method: clinical testing. Allele origin: germline. Not counted in ClinVar's aggregate classification.
Comment: This variant is classified as likely benign based on ACMG/AMP sequence variant interpretation guidelines (Richards et al. 2015 PMID: 25741868, with internal and published modifications).

NM_139125.4(MASP1):c.1992C>T (p.Ser664=)

Gene: MASP1 (MBL associated serine protease 1; minus strand). Cytogenetic location: 3q27.3.
Variant type: single nucleotide variant.
Coding change: c.1992C>T on transcript NM_139125.4 (MANE Select); coding-DNA position 1992, C replaced by T.
Protein change: p.Ser664=; no amino-acid change (serine 664 retained).
Molecular consequence: synonymous variant. On other transcripts: non-coding transcript variant (1), intron variant (1).
Genome position (GRCh38, 1-based): chr3:187,235,879, G>A on the plus strand (C>T on the coding strand, the complement: MASP1 is on the minus strand). VCF-style: chr3-187235879-G-A. GRCh37 (hg19) VCF-style: chr3-186953667-G-A.
Other names: c.1303+5602C>T (NM_001879.6).
Identifiers: ClinVar variation 772668 (VCV000772668.34), dbSNP rs200393551, ClinGen allele CA2749121.